The following is an entry in ClinVar:

NM_006005.3(WFS1):c.764C>T (p.Ala255Val)

Gene: WFS1 (wolframin ER transmembrane glycoprotein; plus strand). Cytogenetic location: 4p16.1.
Variant type: single nucleotide variant.
Coding change: c.764C>T on transcript NM_006005.3 (MANE Select); coding-DNA position 764, C replaced by T.
Protein change: p.Ala255Val; replaces alanine 255 with valine.
Molecular consequence: missense variant.
Genome position (GRCh38, 1-based): chr4:6,295,092, C>T. VCF-style: chr4-6295092-C-T. GRCh37 (hg19) VCF-style: chr4-6296819-C-T.
Other names: c.764C>T, p.Ala255Val (NM_001145853.1); short protein forms A255V.
Identifiers: ClinVar variation 1800863 (VCV001800863.4), dbSNP rs2474181528, ClinGen allele CA356172495.
Genomic context (GRCh38, chr4:6,295,092, plus strand): 5'-ATGCTTCAGCCAAGAACTACATCGCGCTGGATGACTTTGTGGAGATCACTAAGAAGTACG[C>T]CAAGGGCGTCATCCCCAGCAGCCTGTTCCTGCAGGACGACGAAGATGATGACGAGCTGGC-3'
Protein context (NP_005996.2, residues 245-265): DDFVEITKKY[Ala255Val]KGVIPSSLFL

ClinVar aggregate classification (germline): Uncertain significance. Review status: criteria provided, multiple submitters, no conflicts (2 of 4 stars). 2 submissions from 2 submitters: Uncertain significance (2). Last evaluated 2023-04-24.

Allele frequency attached by ClinVar (database versions not stated): gnomAD exomes below 0.00001.
gnomAD v4.1: 2 of 1,613,532 alleles (0.00012%); highest among the groups gnomAD compares: Non-Finnish European, 0.00017%; no homozygotes.

Submissions (2):

Labcorp Genetics (formerly Invitae), Labcorp
Classification: Uncertain significance. Last evaluated: 2023-04-24. Review status: criteria provided, single submitter. Criteria: Invitae Variant Classification Sherloc (09022015). Collection method: clinical testing. Allele origin: germline.
Comment: ClinVar contains an entry for this variant (Variation ID: 1800863). Advanced modeling of protein sequence and biophysical properties (such as structural, functional, and spatial information, amino acid conservation, physicochemical variation, residue mobility, and thermodynamic stability) performed at Invitae indicates that this missense variant is not expected to disrupt WFS1 protein function. In summary, the available evidence is currently insufficient to determine the role of this variant in disease. Therefore, it has been classified as a Variant of Uncertain Significance. This sequence change replaces alanine, which is neutral and non-polar, with valine, which is neutral and non-polar, at codon 255 of the WFS1 protein (p.Ala255Val). This variant is not present in population databases (gnomAD no frequency). This variant has not been reported in the literature in individuals affected with WFS1-related conditions.

GeneDx
Classification: Uncertain significance. Last evaluated: 2022-05-25. Review status: criteria provided, single submitter. Criteria: GeneDx Variant Classification Process June 2021. Collection method: clinical testing. Allele origin: germline. Affected: yes.
Comment: Not observed at significant frequency in large population cohorts (gnomAD); In silico analysis supports that this missense variant has a deleterious effect on protein structure/function; Has not been previously published as pathogenic or benign to our knowledge